The following is an entry in ClinVar:

NM_004218.4(RAB11B):c.407C>A (p.Thr136Asn)

Gene: RAB11B (RAB11B, member RAS oncogene family; plus strand). Cytogenetic location: 19p13.2.
Variant type: single nucleotide variant.
Coding change: c.407C>A on transcript NM_004218.4 (MANE Select); coding-DNA position 407, C replaced by A.
Protein change: p.Thr136Asn; replaces threonine 136 with asparagine.
Molecular consequence: missense variant.
Genome position (GRCh38, 1-based): chr19:8,402,256, C>A. VCF-style: chr19-8402256-C-A. GRCh37 (hg19) VCF-style: chr19-8467140-C-A.
Other names: short protein forms T136N.
Identifiers: ClinVar variation 2499222 (VCV002499222.1), dbSNP rs758588165, ClinGen allele CA403714714.

ClinVar aggregate classification (germline): Uncertain significance (1 of 4 stars; one submission).

Submission:

GeneDx
Classification: Uncertain significance. Last evaluated: 2022-10-14. Review status: criteria provided, single submitter. Criteria: GeneDx Variant Classification Process June 2021. Collection method: clinical testing. Allele origin: germline. Affected: yes.
Comment: Not observed at significant frequency in large population cohorts (gnomAD); In silico analysis supports that this missense variant has a deleterious effect on protein structure/function; Has not been previously published as pathogenic or benign to our knowledge